The following is an entry in ClinVar:

NM_015972.4(POLR1D):c.310A>G (p.Met104Val)

Genes: POLR1D (RNA polymerase I and III subunit D; plus strand), LOC147380392 (uncharacterized LOC147380392; plus strand). Cytogenetic location: 13q12.2.
Variant type: single nucleotide variant.
Coding change: c.310A>G on transcript NM_015972.4 (MANE Select); coding-DNA position 310, A replaced by G.
Protein change: p.Met104Val; replaces methionine 104 with valine.
Molecular consequence: missense variant. On other transcripts: intron variant (2).
Genome position (GRCh38, 1-based): chr13:27,623,158, A>G. VCF-style: chr13-27623158-A-G. GRCh37 (hg19) VCF-style: chr13-28197295-A-G.
Other names: c.310A>G, p.Met104Val (NM_001374407.1); c.-59+2018A>G (NM_001206559.2); c.26+1149A>G (NM_152705.3); short protein forms M104V.
Identifiers: ClinVar variation 3900780 (VCV003900780.1).
Genomic context (GRCh38, chr13:27,623,158, plus strand): 5'-ATTCAGACTCGAGGTACCCTTCCAGCTGTTGAGCCATTTCAGAGAGGCCTGAATGAGCTC[A>G]TGAATGTCTGCCAACATGTGCTTGACAAGTTTGAGGCCAGCATAAAGGACTATAAGGATC-3'
Protein context (NP_057056.1, residues 94-114): EPFQRGLNEL[Met104Val]NVCQHVLDKF

ClinVar aggregate classification (germline): Uncertain significance (1 of 4 stars; one submission).

Submission:

GeneDx
Classification: Uncertain significance. Last evaluated: 2024-12-02. Review status: criteria provided, single submitter. Criteria: GeneDx Variant Classification Process June 2021. Collection method: clinical testing. Allele origin: germline. Affected: yes.
Comment: Not observed at significant frequency in large population cohorts (gnomAD); In silico analysis indicates that this missense variant does not alter protein structure/function; Has not been previously published as pathogenic or benign to our knowledge